The following is an entry in ClinVar:

NM_001470.4(GABBR1):c.496G>T (p.Glu166Ter)

Gene: GABBR1 (gamma-aminobutyric acid type B receptor subunit 1; minus strand). Cytogenetic location: 6p22.1.
Variant type: single nucleotide variant.
Coding change: c.496G>T on transcript NM_001470.4 (MANE Select); coding-DNA position 496, G replaced by T.
Protein change: p.Glu166Ter; replaces glutamic acid 166 with a stop codon.
Molecular consequence: nonsense. On other transcripts: 5 prime UTR variant (1).
Genome position (GRCh38, 1-based): chr6:29,629,087, C>A on the plus strand (G>T on the coding strand, the complement: GABBR1 is on the minus strand). VCF-style: chr6-29629087-C-A. GRCh37 (hg19) VCF-style: chr6-29596864-C-A.
Other names: c.-36G>T (NM_001319053.2); c.310G>T, p.Glu104Ter (NM_021904.4); short protein forms E104*, E166*.
Identifiers: ClinVar variation 4851666 (VCV004851666.1).

ClinVar aggregate classification (germline): Uncertain significance (1 of 4 stars; one submission).

Submission:

Greenwood Genetic Center Diagnostic Laboratories, Greenwood Genetic Center
Classification: Uncertain significance. Last evaluated: 2025-02-11. Review status: criteria provided, single submitter. Criteria: ACMG Guidelines, 2015. Collection method: clinical testing. Allele origin: germline.
Comment: Gene of Uncertain Significance for null variants